The following is an entry in ClinVar:

ClinVar aggregate classification (germline): Likely pathogenic (1 of 4 stars; one submission).

Conditions:
DDX3X-related disorder. Also called: DDX3X-related condition.

Submission:

PreventionGenetics, part of Exact Sciences
Classification: Likely pathogenic for DDX3X-related condition. Last evaluated: 2023-02-02. Review status: criteria provided, single submitter. Criteria: ACMG Guidelines, 2015. Collection method: clinical testing. Allele origin: germline.
Comment: The DDX3X c.1341T>G variant is predicted to result in the amino acid substitution p.Phe447Leu. To our knowledge, this variant has not been reported in the literature or in a large population database, indicating this variant is rare. This variant is interpreted as likely pathogenic.

NM_001356.5(DDX3X):c.1341T>G (p.Phe447Leu)

Gene: DDX3X (DEAD-box helicase 3 X-linked; plus strand). Cytogenetic location: Xp11.4.
Variant type: single nucleotide variant.
Coding change: c.1341T>G on transcript NM_001356.5 (MANE Select); coding-DNA position 1341, T replaced by G.
Protein change: p.Phe447Leu; replaces phenylalanine 447 with leucine.
Molecular consequence: missense variant. On other transcripts: non-coding transcript variant (1).
Genome position (GRCh38, 1-based): chrX:41,346,254, T>G. VCF-style: chrX-41346254-T-G. GRCh37 (hg19) VCF-style: chrX-41205507-T-G.
Other names: c.1341T>G, p.Phe447Leu (NM_001193416.3); c.1293T>G, p.Phe431Leu (NM_001193417.3); c.783T>G, p.Phe261Leu (NM_001363819.1); short protein forms F261L, F431L, F447L.
Identifiers: ClinVar variation 2637151 (VCV002637151.1), dbSNP rs2519522836, ClinGen allele CA412774227.